The following is an entry in ClinVar:

ClinVar aggregate classification (germline): Pathogenic (1 of 4 stars; one submission).

Submission:

GeneDx
Classification: Pathogenic. Last evaluated: 2016-07-29. Review status: criteria provided, single submitter. Criteria: GeneDx Variant Classification (06012015). Collection method: clinical testing. Allele origin: germline. Affected: yes.
Comment: The c.2830dupT pathogenic variant in the KDM6A gene has not been reported previously as a pathogenic variant nor as a benign variant, to our knowledge. The c.2830dupT variant causes a frameshift starting with codon Tyrosine 944, changes this amino acid to a Leucine residue, and creates a premature Stop codon at position 5 of the new reading frame, denoted p.Tyr944LeufsX5. This variant is predicted to cause loss of normal protein function either through protein truncation or nonsense-mediated mRNA decay. The c.2830dupT variant was not observed in approximately 6,500 individuals of European and African American ancestry in the NHLBI Exome Sequencing Project, indicating it is not a common benign variant in these populations. We interpret c.2830dupT as a pathogenic variant.

NM_001291415.2(KDM6A):c.2986dup (p.Tyr996fs)

Gene: KDM6A (lysine demethylase 6A; plus strand). Cytogenetic location: Xp11.3.
Variant type: Duplication.
Coding change: c.2986dup on transcript NM_001291415.2 (MANE Select); coding-DNA position 2986, one base duplicated (T; older notation c.2986dupT).
Protein change: p.Tyr996fs; shifts the reading frame from tyrosine 996.
Molecular consequence: frameshift variant. On other transcripts: non-coding transcript variant (1).
Genome position (GRCh38, 1-based): chrX:45,076,824, T duplicated; the last of 3 consecutive T bases (chrX:45,076,822-45,076,824); duplicating any one gives the same sequence. VCF-style (leftmost placement, unchanged base first): chrX-45076821-A-AT. GRCh37 (hg19) VCF-style: chrX-44936066-A-AT.
Other names: c.2851dup, p.Tyr951fs (NM_001291416.2); c.2695dup, p.Tyr899fs (NM_001291417.2); c.2593dup, p.Tyr865fs (NM_001291418.2); c.1942dup, p.Tyr648fs (NM_001291421.2); c.2830dup, p.Tyr944fs (NM_021140.4); short protein forms Y944fs, Y648fs, Y865fs, Y899fs, Y951fs, Y996fs.
Identifiers: ClinVar variation 280751 (VCV000280751.2), dbSNP rs886041899, ClinGen allele CA10603729.